The following is an entry in ClinVar:

ClinVar aggregate classification (germline): Conflicting classifications of pathogenicity. Review status: criteria provided, conflicting classifications (1 of 4 stars). 15 submissions from 15 submitters: Uncertain significance (1); Benign (4); Likely benign (5). 5 of the submissions do not count toward it. Last evaluated 2026-09-01.

Conditions:
CTNNA1-related disorder. Also called: CTNNA1-related condition.
Patterned macular dystrophy 2. Identifiers: Orphanet 99001, MedGen C1837029, MONDO:0012162, OMIM 608970.
Hereditary cancer-predisposing syndrome. Also called: Hereditary neoplastic syndrome; Hereditary Cancer Syndrome; Neoplastic Syndromes, Hereditary; Tumor predisposition. Identifiers: Orphanet 140162, MedGen C0027672, MeSH D009386, MONDO:0015356.
Hereditary diffuse gastric adenocarcinoma (HDGC). Also called: DIFFUSE GASTRIC AND LOBULAR BREAST CANCER SYNDROME. Identifiers: Orphanet 26106, MedGen C1708349, MONDO:0007648, OMIM 137215.

Allele frequency attached by ClinVar (database versions not stated): ESP Exome Variant Server 0.00238; gnomAD exomes 0.00320 and 0.00179; 1000 Genomes Project 0.00060; 1000 Genomes Project 30x 0.00094; ExAC 0.00168; TOPMed 0.00192; gnomAD 0.00194 and 0.00200.
gnomAD v4.1: 4,889 of 1,612,304 alleles (0.3%); highest among the groups gnomAD compares: Non-Finnish European, 0.39%; 21 homozygotes.

Submissions (15):

CeGaT Center for Human Genetics Tuebingen
Classification: Likely benign. Last evaluated: 2026-09-01. Review status: criteria provided, single submitter. Criteria: CeGaT Center For Human Genetics Tuebingen Variant Classification Criteria Version 2. Collection method: clinical testing. Allele origin: germline. Affected: yes. Observed: 16 variant alleles.
Comment: CTNNA1: BP4, BS2

Labcorp Genetics (formerly Invitae), Labcorp
Classification: Benign. Last evaluated: 2026-02-03. Review status: criteria provided, single submitter. Criteria: Invitae Variant Classification Sherloc (09022015). Collection method: clinical testing. Allele origin: germline.

Center for Genomic Medicine, Rigshospitalet, Copenhagen University Hospital
Classification: Likely benign. Last evaluated: 2025-03-04. Review status: criteria provided, single submitter. Criteria: ACMG Guidelines, 2015. Collection method: clinical testing. Allele origin: germline.

Molecular Diagnostics Laboratory, Catalan Institute of Oncology
Classification: Uncertain significance for Hereditary cancer-predisposing syndrome. Last evaluated: 2025-01-15. Review status: criteria provided, single submitter. Criteria: ACMG Guidelines, 2015. Collection method: clinical testing. Allele origin: germline.
Comment: BP4 CTNNA1 c.589-5T>C is an intronic variant located close to a canonical splice site. This variant is found in 467/267620 alleles (2 homozygotes) at a frequency of 0.17% in the gnomAD v2.1.1 database, non-cancer dataset. The SpliceAI algorithm predicts no significant impact on splicing (BP4). To our knowledge, neither relevant clinical data nor well-stablished functional studies have been reported for this variant. It has been reported in ClinVar (3x benign, 6x likely benign). Based on currently available information, the variant c.589-5T>C should be considered an uncertain significance variant.

ARUP Laboratories, Molecular Genetics and Genomics, ARUP Laboratories
Classification: Benign for Patterned macular dystrophy 2. Last evaluated: 2025-01-09. Review status: criteria provided, single submitter. Criteria: ARUP Molecular Germline Variant Investigation Process 2024. Collection method: clinical testing. Allele origin: germline.

Blueprint Genetics
Classification: Likely benign. Last evaluated: 2024-11-13. Review status: criteria provided, single submitter. Criteria: ACMG Guidelines, 2015. Collection method: clinical testing. Allele origin: germline.

Myriad Genetics, Inc.
Classification: Benign for Hereditary diffuse gastric adenocarcinoma. Last evaluated: 2024-10-10. Review status: criteria provided, single submitter. Criteria: Myriad Autosomal Dominant, Autosomal Recessive and X-Linked Classification Criteria (2023). Collection method: clinical testing. Allele origin: unknown.
Comment: This variant is considered benign. This variant is intronic and is not expected to impact mRNA splicing. This variant has been observed at a population frequency that is significantly greater than expected given the associated disease prevalence and penetrance.

Department of Pathology and Laboratory Medicine, Sinai Health System
Classification: Benign for Patterned macular dystrophy 2. Last evaluated: 2021-11-10. Review status: criteria provided, single submitter. Criteria: ACMG Guidelines, 2015. Collection method: clinical testing. Allele origin: germline. Affected: yes.

Genetic Services Laboratory, University of Chicago
Classification: Likely benign. Last evaluated: 2021-07-06. Review status: criteria provided, single submitter. Criteria: ACMG Guidelines, 2015. Collection method: clinical testing. Allele origin: germline. Affected: no.

Ambry Genetics
Classification: Likely benign for Hereditary cancer-predisposing syndrome. Last evaluated: 2018-10-11. Review status: criteria provided, single submitter. Criteria: Ambry Variant Classification Scheme 2023. Collection method: clinical testing. Allele origin: germline.

PreventionGenetics, part of Exact Sciences
Classification: Likely benign for CTNNA1-related condition. Last evaluated: 2019-04-19. Review status: no assertion criteria provided. Collection method: clinical testing. Allele origin: germline. Not counted in ClinVar's aggregate classification.
Comment: This variant is classified as likely benign based on ACMG/AMP sequence variant interpretation guidelines (Richards et al. 2015 PMID: 25741868, with internal and published modifications).

Clinical Genetics DNA and cytogenetics Diagnostics Lab, Erasmus MC, Erasmus Medical Center
Classification: Likely benign. Review status: no assertion criteria provided. Collection method: clinical testing. Allele origin: germline. Affected: yes. Study: VKGL Data-share Consensus. Not counted in ClinVar's aggregate classification.

Clinical Genetics, Academic Medical Center
Classification: Benign. Review status: no assertion criteria provided. Collection method: clinical testing. Allele origin: germline. Affected: yes. Study: VKGL Data-share Consensus. Not counted in ClinVar's aggregate classification.

Diagnostic Laboratory, Department of Genetics, University Medical Center Groningen
Classification: Likely benign. Review status: no assertion criteria provided. Collection method: clinical testing. Allele origin: germline. Affected: yes. Study: VKGL Data-share Consensus. Not counted in ClinVar's aggregate classification.

Genome Diagnostics Laboratory, Amsterdam University Medical Center
Classification: Likely benign. Review status: no assertion criteria provided. Collection method: clinical testing. Allele origin: germline. Affected: yes. Study: VKGL Data-share Consensus. Not counted in ClinVar's aggregate classification.

NM_001903.5(CTNNA1):c.589-5T>C

Gene: CTNNA1 (catenin alpha 1; plus strand). Cytogenetic location: 5q31.2.
Variant type: single nucleotide variant.
Coding change: c.589-5T>C on transcript NM_001903.5 (MANE Select); 5 bases into the intron before coding-DNA position 589, T replaced by C.
Molecular consequence: intron variant.
Genome position (GRCh38, 1-based): chr5:138,824,525, T>C. VCF-style: chr5-138824525-T-C. GRCh37 (hg19) VCF-style: chr5-138160214-T-C.
Other names: c.589-5T>C (NM_001323982.2, NM_001323984.2, NM_001290307.3 and 4 more transcripts); c.220-5T>C (NM_001290310.3); c.280-5T>C (NM_001290309.3).
Identifiers: ClinVar variation 239066 (VCV000239066.57), dbSNP rs186236339, ClinGen allele CA3431505.